The following is an entry in ClinVar:

ClinVar aggregate classification (germline): Uncertain significance (1 of 4 stars; one submission).

Submission:

Ambry Genetics
Classification: Uncertain significance. Last evaluated: 2024-03-30. Review status: criteria provided, single submitter. Criteria: Ambry Variant Classification Scheme 2023. Collection method: clinical testing. Allele origin: germline.
Comment: The p.Y1062H variant (also known as c.3184T>C), located in coding exon 25 of the BUB1 gene, results from a T to C substitution at nucleotide position 3184. The tyrosine at codon 1062 is replaced by histidine, an amino acid with similar properties. This amino acid position is conserved. In addition, the in silico prediction for this alteration is inconclusive. Based on the available evidence, the clinical significance of this alteration remains unclear.

NM_004336.5(BUB1):c.3184T>C (p.Tyr1062His)

Gene: BUB1 (BUB1 mitotic checkpoint serine/threonine kinase; minus strand). Cytogenetic location: 2q13.
Variant type: single nucleotide variant.
Coding change: c.3184T>C on transcript NM_004336.5 (MANE Select); coding-DNA position 3184, T replaced by C.
Protein change: p.Tyr1062His; replaces tyrosine 1062 with histidine.
Molecular consequence: missense variant.
Genome position (GRCh38, 1-based): chr2:110,638,038, A>G on the plus strand (T>C on the coding strand, the complement: BUB1 is on the minus strand). VCF-style: chr2-110638038-A-G. GRCh37 (hg19) VCF-style: chr2-111395615-A-G.
Other names: c.3124T>C, p.Tyr1042His (NM_001278616.2); c.3013T>C, p.Tyr1005His (NM_001278617.2); short protein forms Y1005H, Y1042H, Y1062H.
Identifiers: ClinVar variation 3262111 (VCV003262111.1).